The following is an entry in ClinVar:

ClinVar aggregate classification (germline): Uncertain significance (1 of 4 stars; one submission).

Conditions:
Hereditary cancer-predisposing syndrome. Also called: Tumor predisposition; Hereditary Cancer Syndrome; Hereditary neoplastic syndrome; Neoplastic Syndromes, Hereditary. Identifiers: Orphanet 140162, MedGen C0027672, MeSH D009386, MONDO:0015356.

Submission:

Ambry Genetics
Classification: Uncertain significance for Hereditary cancer-predisposing syndrome. Last evaluated: 2024-03-30. Review status: criteria provided, single submitter. Criteria: Ambry Variant Classification Scheme 2023. Collection method: clinical testing. Allele origin: germline.
Comment: The p.I687L variant (also known as c.2059A>C), located in coding exon 12 of the PMS2 gene, results from an A to C substitution at nucleotide position 2059. The isoleucine at codon 687 is replaced by leucine, an amino acid with highly similar properties. This amino acid position is conserved. In addition, the in silico prediction for this alteration is inconclusive. Based on the available evidence, the clinical significance of this alteration remains unclear.

NM_000535.7(PMS2):c.2059A>C (p.Ile687Leu)

Gene: PMS2 (PMS1 homolog 2, mismatch repair system component; minus strand). Cytogenetic location: 7p22.1.
Variant type: single nucleotide variant.
Coding change: c.2059A>C on transcript NM_000535.7 (MANE Select); coding-DNA position 2059, A replaced by C.
Protein change: p.Ile687Leu; replaces isoleucine 687 with leucine.
Molecular consequence: missense variant. On other transcripts: non-coding transcript variant (1), intron variant (4).
Genome position (GRCh38, 1-based): chr7:5,982,939, T>G on the plus strand (A>C on the coding strand, the complement: PMS2 is on the minus strand). VCF-style: chr7-5982939-T-G. GRCh37 (hg19) VCF-style: chr7-6022570-T-G.
Other names: c.1654A>C, p.Ile552Leu (NM_001322003.2, NM_001322004.2, NM_001322005.2 and 14 more transcripts); c.1903A>C, p.Ile635Leu (NM_001322006.2, NM_001406870.1); c.1741A>C, p.Ile581Leu (NM_001322007.2, NM_001322008.2, NM_001406883.1 and 1 more transcripts); c.1498A>C, p.Ile500Leu (NM_001322010.2, NM_001406906.1, NM_001406907.1); c.1126A>C, p.Ile376Leu (NM_001322011.2, NM_001322012.2); c.1486A>C, p.Ile496Leu (NM_001322013.2, NM_001406909.1); c.2059A>C, p.Ile687Leu (NM_001322014.2, NM_001406871.1); c.1750A>C, p.Ile584Leu (NM_001322015.2, NM_001406880.1, NM_001406881.1 and 5 more transcripts); and 16 more; short protein forms I376L, I552L, I286L, I496L, I516L, I581L, I635L, I651L.
Identifiers: ClinVar variation 3308087 (VCV003308087.1).